The following is an entry in ClinVar:

NM_173560.4(RFX6):c.789G>A (p.Thr263=)

Gene: RFX6 (regulatory factor X6; plus strand). Cytogenetic location: 6q22.1.
Variant type: single nucleotide variant.
Coding change: c.789G>A on transcript NM_173560.4 (MANE Select); coding-DNA position 789, G replaced by A.
Protein change: p.Thr263=; no amino-acid change (threonine 263 retained).
Molecular consequence: synonymous variant.
Genome position (GRCh38, 1-based): chr6:116,916,016, G>A. VCF-style: chr6-116916016-G-A. GRCh37 (hg19) VCF-style: chr6-117237179-G-A.
Other names: c.789G>A (NM_173560.3).
Identifiers: ClinVar variation 2177516 (VCV002177516.6), dbSNP rs112601012, ClinGen allele CA3973142.

ClinVar aggregate classification (germline): Likely benign. Review status: criteria provided, multiple submitters, no conflicts (2 of 4 stars). 3 submissions from 3 submitters: Likely benign (2). 1 of the submissions does not count toward it. Last evaluated 2025-11-19.

Conditions:
RFX6-related disorder. Also called: RFX6-related condition.

Allele frequency attached by ClinVar (database versions not stated): gnomAD 0.00007; gnomAD exomes 0.00007; TOPMed 0.00007; ExAC 0.00009; 1000 Genomes Project 30x 0.00078; 1000 Genomes Project 0.00100.
gnomAD v4.1: 124 of 1,607,474 alleles (0.0077%); highest among the groups gnomAD compares: Middle Eastern, 0.1%; 1 homozygote.

Submissions (3):

Labcorp Genetics (formerly Invitae), Labcorp
Classification: Likely benign. Last evaluated: 2025-11-19. Review status: criteria provided, single submitter. Criteria: Invitae Variant Classification Sherloc (09022015). Collection method: clinical testing. Allele origin: germline.

Blueprint Genetics
Classification: Likely benign. Last evaluated: 2024-11-21. Review status: criteria provided, single submitter. Criteria: ACMG Guidelines, 2015. Collection method: clinical testing. Allele origin: germline.

PreventionGenetics, part of Exact Sciences
Classification: Likely benign for RFX6-related condition. Last evaluated: 2024-05-01. Review status: no assertion criteria provided. Collection method: clinical testing. Allele origin: germline. Not counted in ClinVar's aggregate classification.
Comment: This variant is classified as likely benign based on ACMG/AMP sequence variant interpretation guidelines (Richards et al. 2015 PMID: 25741868, with internal and published modifications).